The following is an entry in ClinVar:

ClinVar aggregate classification (germline): Likely benign (1 of 4 stars; one submission).

Conditions:
TAF1-related disorder. Also called: TAF1-related condition.

Submission:

PreventionGenetics, part of Exact Sciences
Classification: Likely benign for TAF1-related condition. Last evaluated: 2024-11-03. Review status: criteria provided, single submitter. Criteria: ACMG Guidelines, 2015. Collection method: clinical testing. Allele origin: germline.
Comment: This variant is classified as likely benign based on ACMG/AMP sequence variant interpretation guidelines (Richards et al. 2015 PMID: 25741868, with internal and published modifications).

NM_004606.5(TAF1):c.1665+8A>G

Gene: TAF1 (TATA-box binding protein associated factor 1; plus strand). Cytogenetic location: Xq13.1.
Variant type: single nucleotide variant.
Coding change: c.1665+8A>G on transcript NM_004606.5 (MANE Select); 8 bases into the intron after coding-DNA position 1665, A replaced by G.
Molecular consequence: intron variant.
Genome position (GRCh38, 1-based): chrX:71,382,671, A>G. VCF-style: chrX-71382671-A-G. GRCh37 (hg19) VCF-style: chrX-70602521-A-G.
Other names: c.1665+8A>G (NM_001440852.1, NM_001440853.1, NM_001286074.2); c.1602+8A>G (NM_001440854.1, NM_138923.4).
Identifiers: ClinVar variation 5000197 (VCV005000197.1).